The following is an entry in ClinVar:

NM_004519.4(KCNQ3):c.1551C>T (p.Ala517=)

Gene: KCNQ3 (potassium voltage-gated channel subfamily Q member 3; minus strand). Cytogenetic location: 8q24.22.
Variant type: single nucleotide variant.
Coding change: c.1551C>T on transcript NM_004519.4 (MANE Select); coding-DNA position 1551, C replaced by T.
Protein change: p.Ala517=; no amino-acid change (alanine 517 retained).
Molecular consequence: synonymous variant.
Genome position (GRCh38, 1-based): chr8:132,140,093, G>A on the plus strand (C>T on the coding strand, the complement: KCNQ3 is on the minus strand). VCF-style: chr8-132140093-G-A. GRCh37 (hg19) VCF-style: chr8-133152340-G-A.
Other names: p.A517A:GCC>GCT; c.1191C>T, p.Ala397= (NM_001204824.2).
Identifiers: ClinVar variation 129348 (VCV000129348.30), dbSNP rs35538317, ClinGen allele CA288945.

ClinVar aggregate classification (germline): Benign/Likely benign. Review status: criteria provided, multiple submitters, no conflicts (2 of 4 stars). 9 submissions from 9 submitters: Benign (5); Likely benign (2). 2 of the submissions do not count toward it. Last evaluated 2026-02-03.

Conditions:
KCNQ3-related disorder. Also called: KCNQ3-Related Disorders; KCNQ3-related condition. Identifiers: MedGen CN381530.
Inborn genetic diseases. Identifiers: MedGen C0950123, MeSH D030342.
Benign neonatal seizures. Also called: Benign familial neonatal epilepsy; Benign familial neonatal seizures; Benign neonatal familial convulsions; Convulsions benign familial neonatal dominant form; Autosomal dominant form of benign neonatal seizures. Identifiers: Orphanet 1949, MedGen C0220669, MONDO:0016027.
Seizures, benign familial neonatal, 2. Also called: KCNQ3-Related Benign Familial Neonatal Epilepsy; KCNQ3-Related Self-Limited Familial Neonatal Epilepsy (SLFNE); Benign Neonatal Epilepsy 2; Seizures, benign neonatal, 2; CONVULSIONS, BENIGN FAMILIAL NEONATAL, 2. Identifiers: Orphanet 1949, MedGen C1852581, MONDO:0007366, OMIM 121201.

Allele frequency attached by ClinVar (database versions not stated): gnomAD exomes 0.00204 and 0.00081; ExAC 0.00247; gnomAD 0.00761 and 0.00714; ESP Exome Variant Server 0.00815; 1000 Genomes Project 30x 0.00999; TOPMed 0.00784; 1000 Genomes Project 0.01018.

Submissions (9):

Labcorp Genetics (formerly Invitae), Labcorp
Classification: Benign for Benign neonatal seizures. Last evaluated: 2026-02-03. Review status: criteria provided, single submitter. Criteria: Invitae Variant Classification Sherloc (09022015). Collection method: clinical testing. Allele origin: germline.

Athena Diagnostics
Classification: Benign. Last evaluated: 2024-12-24. Review status: criteria provided, single submitter. Criteria: Athena Diagnostics Criteria. Collection method: clinical testing. Allele origin: unknown.
Comment: The frequency of this variant in the general population is higher than would generally be expected for pathogenic variants in this gene. Computational tools yielded predictions that this variant is unlikely to have an effect on normal RNA splicing. This nucleotide position exhibits low evolutionary conservation.

Fulgent Genetics
Classification: Likely benign for Seizures, benign familial neonatal, 2. Last evaluated: 2022-04-07. Review status: criteria provided, single submitter. Criteria: ACMG Guidelines, 2015. Collection method: clinical testing. Allele origin: unknown.

Illumina Laboratory Services, Illumina
Classification: Benign for Seizures, benign familial neonatal, 2. Last evaluated: 2018-01-12. Review status: criteria provided, single submitter. Criteria: ICSL Variant Classification Criteria 13 December 2019. Collection method: clinical testing. Allele origin: germline.
Comment: This variant was observed in the ICSL laboratory as part of a predisposition screen in an ostensibly healthy population. It had not been previously curated by ICSL or reported in the Human Gene Mutation Database (HGMD: prior to June 1st, 2018), and was therefore a candidate for classification through an automated scoring system. Utilizing variant allele frequency, disease prevalence and penetrance estimates, and inheritance mode, an automated score was calculated to assess if this variant is too frequent to cause the disease. Based on the score and internal cut-off values, a variant classified as benign is not then subjected to further curation. The score for this variant resulted in a classification of benign for this disease.

Ambry Genetics
Classification: Benign for Inborn genetic diseases. Last evaluated: 2016-04-18. Review status: criteria provided, single submitter. Criteria: Ambry Variant Classification Scheme 2023. Collection method: clinical testing. Allele origin: germline.

GeneDx
Classification: Benign. Last evaluated: 2013-06-21. Review status: criteria provided, single submitter. Criteria: GeneDx Variant Classification (06012015). Collection method: clinical testing. Allele origin: germline. Affected: yes.
Comment: This variant is considered likely benign or benign based on one or more of the following criteria: it is a conservative change, it occurs at a poorly conserved position in the protein, it is predicted to be benign by multiple in silico algorithms, and/or has population frequency not consistent with disease.

Breakthrough Genomics
Classification: Likely benign. Review status: criteria provided, single submitter. Criteria: ACMG Guidelines, 2015. Collection method: not provided. Allele origin: germline. Inheritance: Autosomal dominant inheritance. Affected: yes.

PreventionGenetics, part of Exact Sciences
Classification: Benign for KCNQ3-related condition. Last evaluated: 2019-04-10. Review status: no assertion criteria provided. Collection method: clinical testing. Allele origin: germline. Not counted in ClinVar's aggregate classification.
Comment: This variant is classified as benign based on ACMG/AMP sequence variant interpretation guidelines (Richards et al. 2015 PMID: 25741868, with internal and published modifications).

Genetic Services Laboratory, University of Chicago
Classification: Likely benign for AllHighlyPenetrant. Review status: no assertion criteria provided. Collection method: clinical testing. Allele origin: germline. Inheritance: Autosomal dominant inheritance. Not counted in ClinVar's aggregate classification.
Comment: Likely benign based on allele frequency in 1000 Genomes Project or ESP global frequency and its presence in a patient with a rare or unrelated disease phenotype. NOT Sanger confirmed.